The following is an entry in ClinVar:

NM_001378615.1(CC2D2A):c.3545G>A (p.Trp1182Ter)

Genes: CC2D2A (coiled-coil and C2 domain containing 2A; plus strand), FBXL5 (F-box and leucine rich repeat protein 5; minus strand). Cytogenetic location: 4p15.32.
Variant type: single nucleotide variant.
Coding change: c.3545G>A on transcript NM_001378615.1 (MANE Select); coding-DNA position 3545, G replaced by A.
Protein change: p.Trp1182Ter; replaces tryptophan 1182 with a stop codon.
Molecular consequence: nonsense.
Genome position (GRCh38, 1-based): chr4:15,570,447, G>A. VCF-style: chr4-15570447-G-A. GRCh37 (hg19) VCF-style: chr4-15572070-G-A.
Other names: c.3545G>A, p.Trp1182Ter (NM_001080522.2); c.3398G>A, p.Trp1133Ter (NM_001378617.1); short protein forms W1182*, W1133*.
Identifiers: ClinVar variation 594152 (VCV000594152.6), dbSNP rs1560188288, ClinGen allele CA356421957.

ClinVar aggregate classification (germline): Pathogenic. Review status: criteria provided, multiple submitters, no conflicts (2 of 4 stars). 2 submissions from 2 submitters: Pathogenic (2). Last evaluated 2026-04-01.

Conditions:
Joubert syndrome and related disorders. Identifiers: Orphanet 140874, MedGen C5679612, MONDO:0015369.

Allele frequency attached by ClinVar (database versions not stated): gnomAD exomes below 0.00001.
gnomAD v4.1: 1 of 1,608,906 alleles (0.000062%); highest among the groups gnomAD compares: East Asian, 0.0022%; no homozygotes.

Submissions (2):

Myriad Genetics, Inc.
Classification: Pathogenic for Joubert syndrome and related disorders. Last evaluated: 2026-04-01. Review status: criteria provided, single submitter. Criteria: Myriad Autosomal Dominant, Autosomal Recessive and X-Linked Classification Criteria (2023). Collection method: clinical testing. Allele origin: unknown.
Comment: NM_001080522.2(CC2D2A):c.3545G>A(W1182*) is expected to be pathogenic in the context of CC2D2A-related disorders. This variant is predicted to lead to an abnormal or absent protein product due to the creation of a premature termination codon in CC2D2A, a gene where loss-of-function variants are known to be pathogenic. Please note: this variant was assessed in the context of healthy population screening.

Eurofins Ntd Llc (ga)
Classification: Pathogenic. Last evaluated: 2017-09-19. Review status: criteria provided, single submitter. Criteria: EGL Classification Definitions 2015. Collection method: clinical testing. Allele origin: germline. Observed: 1 variant allele, 1 heterozygote.